The following is an entry in ClinVar:

ClinVar aggregate classification (germline): Conflicting classifications of pathogenicity. Review status: criteria provided, conflicting classifications (1 of 4 stars). 2 submissions from 2 submitters: Uncertain significance (1); Likely benign (1). Last evaluated 2026-07-31.

Conditions:
Familial colorectal cancer type X. Identifiers: Orphanet 440437, MedGen C3896578, MONDO:0018604.

gnomAD v4.1: 4 of 1,608,264 alleles (0.00025%); highest among the groups gnomAD compares: Non-Finnish European, 0.00025%; no homozygotes.

Submissions (2):

Myriad Genetics, Inc.
Classification: Likely benign for Familial colorectal cancer type X. Last evaluated: 2026-07-31. Review status: criteria provided, single submitter. Criteria: Myriad Autosomal Dominant, Autosomal Recessive and X-Linked Classification Criteria (2023). Collection method: clinical testing. Allele origin: unknown.
Comment: This variant is considered likely benign. This variant is intronic and is not expected to impact mRNA splicing.

Ambry Genetics
Classification: Uncertain significance. Last evaluated: 2026-05-27. Review status: criteria provided, single submitter. Criteria: Ambry Variant Classification Scheme 2023. Collection method: clinical testing. Allele origin: germline.
Comment: The c.4-5A>G intronic variant results from an A to G substitution 5 nucleotides upstream from coding exon 2 in the RPS20 gene. This nucleotide position is not well conserved in available vertebrate species. In silico splice site analysis predicts that this alteration will not have any significant effect on splicing. Based on the available evidence, the clinical significance of this variant remains unclear.

NM_001023.4(RPS20):c.4-5A>G

Gene: RPS20 (ribosomal protein S20; minus strand). Cytogenetic location: 8q12.1.
Variant type: single nucleotide variant.
Coding change: c.4-5A>G on transcript NM_001023.4 (MANE Select); 5 bases into the intron before coding-DNA position 4, A replaced by G.
Molecular consequence: intron variant.
Genome position (GRCh38, 1-based): chr8:56,074,164, T>C on the plus strand (A>G on the coding strand, the complement: RPS20 is on the minus strand). VCF-style: chr8-56074164-T-C. GRCh37 (hg19) VCF-style: chr8-56986723-T-C.
Other names: c.4-5A>G (NM_001146227.3).
Identifiers: ClinVar variation 4863478 (VCV004863478.2).